The following is an entry in ClinVar:

ClinVar aggregate classification (germline): Uncertain significance (1 of 4 stars; one submission).

Conditions:
Inborn genetic diseases. Identifiers: MedGen C0950123, MeSH D030342.

Submission:

Ambry Genetics
Classification: Uncertain significance for Inborn genetic diseases. Last evaluated: 2025-09-16. Review status: criteria provided, single submitter. Criteria: Ambry Variant Classification Scheme 2023. Collection method: clinical testing. Allele origin: germline.
Comment: The c.605T>C (p.I202T) alteration is located in exon 7 (coding exon 5) of the SATB2 gene. This alteration results from a T to C substitution at nucleotide position 605, causing the isoleucine (I) at amino acid position 202 to be replaced by a threonine (T). This variant was not reported in population-based cohorts in the Genome Aggregation Database (gnomAD). This amino acid position is highly conserved in available vertebrate species. This missense alteration is located in a region that has a low rate of benign missense variation (Lek, 2016; Firth, 2009). This alteration is predicted to be deleterious by in silico analysis. Based on insufficient or conflicting evidence, the clinical significance of this alteration remains unclear.

NM_001172509.2(SATB2):c.605T>C (p.Ile202Thr)

Gene: SATB2 (SATB homeobox 2; minus strand). Cytogenetic location: 2q33.1.
Variant type: single nucleotide variant.
Coding change: c.605T>C on transcript NM_001172509.2 (MANE Select); coding-DNA position 605, T replaced by C.
Protein change: p.Ile202Thr; replaces isoleucine 202 with threonine.
Molecular consequence: missense variant.
Genome position (GRCh38, 1-based): chr2:199,368,700, A>G on the plus strand (T>C on the coding strand, the complement: SATB2 is on the minus strand). VCF-style: chr2-199368700-A-G. GRCh37 (hg19) VCF-style: chr2-200233423-A-G.
Other names: c.605T>C, p.Ile202Thr (NM_001172517.1, NM_015265.4); short protein forms I202T.
Identifiers: ClinVar variation 3950238 (VCV003950238.2).